The following is an entry in ClinVar:

NM_138454.2(NXNL1):c.375G>T (p.Val125=)

Gene: NXNL1 (nucleoredoxin like 1; minus strand). Cytogenetic location: 19p13.11.
Variant type: single nucleotide variant.
Coding change: c.375G>T on transcript NM_138454.2 (MANE Select); coding-DNA position 375, G replaced by T.
Protein change: p.Val125=; no amino-acid change (valine 125 retained).
Molecular consequence: synonymous variant.
Genome position (GRCh38, 1-based): chr19:17,455,911, C>A on the plus strand (G>T on the coding strand, the complement: NXNL1 is on the minus strand). VCF-style: chr19-17455911-C-A. GRCh37 (hg19) VCF-style: chr19-17566720-C-A.
Identifiers: ClinVar variation 3037930 (VCV003037930.2), dbSNP rs192929983, ClinGen allele CA9294906.

ClinVar aggregate classification (germline): Likely benign (0 of 4 stars; one submission).

Conditions:
NXNL1-related disorder. Also called: NXNL1-related condition.

Allele frequency attached by ClinVar (database versions not stated): ExAC 0.00019; ESP Exome Variant Server 0.00040; 1000 Genomes Project 30x 0.00078; 1000 Genomes Project 0.00080.

Submission:

PreventionGenetics, part of Exact Sciences
Classification: Likely benign for NXNL1-related condition. Last evaluated: 2019-09-20. Review status: no assertion criteria provided. Collection method: clinical testing. Allele origin: germline.
Comment: This variant is classified as likely benign based on ACMG/AMP sequence variant interpretation guidelines (Richards et al. 2015 PMID: 25741868, with internal and published modifications).